The following is an entry in ClinVar:

GRCh37/hg19 15q11.2(chr15:22800000-23100000)x1

Genes: CYFIP1 (cytoplasmic FMR1 interacting protein 1; minus strand), GOLGA6L1 (golgin A6 family like 1; minus strand), NIPA1 (NIPA magnesium transporter 1; plus strand), NIPA2 (NIPA magnesium transporter 2; plus strand), TUBGCP5 (tubulin gamma complex component 5; minus strand). Cytogenetic location: 15q11.2.
Variant type: copy number loss.
Change: copy number 1 (one copy instead of two) of chr15:22,800,000-23,100,000 (300.0 kb, GRCh37 coordinates, 1-based), cytogenetic band 15q11.2.
Identifiers: ClinVar variation 5016472 (VCV005016472.1).

ClinVar aggregate classification (germline): Pathogenic (1 of 4 stars; one submission).

Conditions:
Hereditary spastic paraplegia 6 (SPG6). Also called: SPASTIC PARAPLEGIA 6, AUTOSOMAL DOMINANT. Identifiers: Orphanet 100988, MedGen C1838192, MONDO:0010878, OMIM 600363.

Submission:

Department of Neurology, Shanghai Sixth People’s Hospital Affiliated to Shanghai Jiao Tong University School of Medicine
Classification: Pathogenic for Hereditary spastic paraplegia 6. Last evaluated: 2023-12-28. Review status: criteria provided, single submitter. Criteria: ACMG Guidelines, 2015. Collection method: clinical testing. Allele origin: unknown, paternal. Affected: yes. Observed: 2 variant alleles, 2 heterozygotes. Clinical features observed: Gait disturbance (HP:0002355), Lower limb spasticity (HP:0002061), Hyperreflexia (HP:0001347), Babinski sign (HP:0003487), Lower limb muscle weakness (HP:0007340), Achilles tendon contracture (HP:0001771), Abnormal foot morphology (HP:0001760), Spastic gait (HP:0002064), Ankle clonus (HP:0011448).
Comment: P(PVS1+PS3+PS4+PM2+PP3+PP4) This 15q11.2 BP1-BP2 microdeletion (involving TUBGCP5, CYFIP1, NIPA2, and NIPA1) was classified as Pathogenic based on the ACMG/AMP 2015 guidelines (PMID:25741868) Evidence supporting this classification includes: PVS1: The deletion removes the entire NIPA1 gene. NIPA1 haploinsufficiency (loss-of-function) is the established disease mechanism for autosomal dominant hereditary spastic paraplegia type 6 (SPG6). PS3: Functional studies and animal models demonstrate that loss of NIPA1 impairs Mg2+ transport and BMP signaling, leading to axonal degeneration and motor dysfunction. PS4: The deletion is significantly enriched in affected individuals. It was identified in multiple unrelated SPG6 families, including two families in our cohort, and was absent in 300 healthy controls. PM2: The deletion is absent from population databases (1000 Genomes, ESP Exome Variant Server, and ExAC). PP3: Multiple computational algorithms predict a deleterious effect of this deletion. PP4: The patient phenotypes (progressive lower limb spasticity, hypertonia, hyperreflexia, and Babinski signs) are highly specific for NIPA1-associated SPG6.